The following is an entry in ClinVar:

ClinVar aggregate classification (germline): Uncertain significance (1 of 4 stars; one submission).

Submission:

GeneDx
Classification: Uncertain significance. Last evaluated: 2023-11-09. Review status: criteria provided, single submitter. Criteria: GeneDx Variant Classification Process June 2021. Collection method: clinical testing. Allele origin: germline. Affected: yes.
Comment: Not observed at significant frequency in large population cohorts (gnomAD); In silico analysis supports that this variant does not alter protein structure/function; Has not been previously published as pathogenic or benign to our knowledge

NM_005676.5(RBM10):c.257_259delinsGGC (p.His86Arg)

Gene: RBM10 (RNA binding motif protein 10; plus strand). Cytogenetic location: Xp11.3.
Variant type: Indel.
Coding change: c.257_259delinsGGC on transcript NM_005676.5 (MANE Select); coding-DNA positions 257 to 259, ACA replaced by GGC.
Protein change: p.His86Arg; replaces histidine 86 with arginine.
Molecular consequence: missense variant. On other transcripts: intron variant (2).
Genome position (GRCh38, 1-based): chrX:47,171,083-47,171,085, ACA replaced by GGC. VCF-style: chrX-47171083-ACA-GGC. GRCh37 (hg19) VCF-style: chrX-47030482-ACA-GGC.
Other names: c.257_259delinsGGC, p.His86Arg (NM_001204467.2); c.452_454delinsGGC, p.His151Arg (NM_001204468.2); c.201+1585_201+1587delinsGGC (NM_001204466.2, NM_152856.3); short protein forms H151R, H86R.
Identifiers: ClinVar variation 3364102 (VCV003364102.1).